The following is an entry in ClinVar:

NM_014727.3(KMT2B):c.2364A>G (p.Val788=)

Gene: KMT2B (lysine methyltransferase 2B; plus strand). Cytogenetic location: 19q13.12.
Variant type: single nucleotide variant.
Coding change: c.2364A>G on transcript NM_014727.3 (MANE Select); coding-DNA position 2364, A replaced by G.
Protein change: p.Val788=; no amino-acid change (valine 788 retained).
Molecular consequence: synonymous variant.
Genome position (GRCh38, 1-based): chr19:35,721,711, A>G. VCF-style: chr19-35721711-A-G. GRCh37 (hg19) VCF-style: chr19-36212613-A-G.
Identifiers: ClinVar variation 3898431 (VCV003898431.7).

ClinVar aggregate classification (germline): Likely benign (1 of 4 stars; one submission).

gnomAD v4.1: 2 of 1,610,612 alleles (0.00012%); highest among the groups gnomAD compares: Non-Finnish European, 0.00017%; no homozygotes.

Submission:

CeGaT Center for Human Genetics Tuebingen
Classification: Likely benign. Last evaluated: 2025-04-01. Review status: criteria provided, single submitter. Criteria: CeGaT Center For Human Genetics Tuebingen Variant Classification Criteria Version 2. Collection method: clinical testing. Allele origin: germline. Affected: yes. Observed: 1 variant allele.
Comment: KMT2B: BP4, BP7